The following is an entry in ClinVar:

NM_006060.6(IKZF1):c.161-8267T>C

Gene: IKZF1 (IKAROS family zinc finger 1; plus strand). Cytogenetic location: 7p12.2.
Variant type: single nucleotide variant.
Coding change: c.161-8267T>C on transcript NM_006060.6 (MANE Select); 8267 bases into the intron before coding-DNA position 161, T replaced by C.
Molecular consequence: intron variant. On other transcripts: missense variant (1).
Genome position (GRCh38, 1-based): chr7:50,368,266, T>C. VCF-style: chr7-50368266-T-C. GRCh37 (hg19) VCF-style: chr7-50435964-T-C.
Other names: c.421T>C, p.Trp141Arg (NM_001291845.2); c.220+201T>C (NM_001410879.1, NM_001291846.2, NM_001291847.2); c.161-14274T>C (NM_001291839.2, NM_001291838.2, NM_001220767.2 and 1 more transcripts); c.161-8267T>C (NM_001220765.3, NM_001291837.2, NM_001220768.2 and 1 more transcripts); c.161-19079T>C (NM_001291841.1, NM_001291842.1); c.161-23463T>C (NM_001291843.1, NM_001291844.1); c.161-31652T>C (NM_001291840.1); short protein forms W141R.
Identifiers: ClinVar variation 3035611 (VCV003035611.2), dbSNP rs916797844, ClinGen allele CA158208183.
Genomic context (GRCh38, chr7:50,368,266, plus strand): 5'-ATTTTTGGGTATTTATACCATAAAGTGCAAAACGAAGGTCTAGGCAGTTGTGCGGTGTCC[T>C]GGGAGCATGGCAGTGGAGTAACAGTAAGGGTTGGAGTCACAGTAGCACTGATGGGATTGT-3'

ClinVar aggregate classification (germline): Uncertain significance (0 of 4 stars; one submission).

Conditions:
IKZF1-related disorder. Also called: IKZF1-related condition.

Allele frequency attached by ClinVar (database versions not stated): gnomAD exomes 0.00001; gnomAD 0.00004; TOPMed 0.00008.
gnomAD v4.1: 12 of 703,184 alleles (0.0017%); highest among the groups gnomAD compares: African/African-American, 0.016%; no homozygotes.

Submission:

PreventionGenetics, part of Exact Sciences
Classification: Uncertain significance for IKZF1-related condition. Last evaluated: 2024-02-28. Review status: no assertion criteria provided. Collection method: clinical testing. Allele origin: germline.
Comment: The IKZF1 c.421T>C variant is predicted to result in the amino acid substitution p.Trp141Arg. To our knowledge, this variant has not been reported in the literature. This variant is reported in 0.0079% of alleles in individuals of Latino descent in gnomAD. At this time, the clinical significance of this variant is uncertain due to the absence of conclusive functional and genetic evidence.